The following is an entry in ClinVar:

ClinVar aggregate classification (germline): Uncertain significance (1 of 4 stars; one submission).

Conditions:
Noonan syndrome 9 (NS9). Identifiers: Orphanet 648, MedGen C4225282, MONDO:0014691, OMIM 616559.

Allele frequency attached by ClinVar (database versions not stated): gnomAD 0.00001.
gnomAD v4.1: 1 of 1,613,034 alleles (0.000062%); highest among the groups gnomAD compares: African/African-American, 0.0013%; no homozygotes.

Submission:

Labcorp Genetics (formerly Invitae), Labcorp
Classification: Uncertain significance for Noonan syndrome 9. Last evaluated: 2023-12-24. Review status: criteria provided, single submitter. Criteria: Invitae Variant Classification Sherloc (09022015). Collection method: clinical testing. Allele origin: germline.
Comment: This sequence change falls in intron 3 of the SOS2 gene. It does not directly change the encoded amino acid sequence of the SOS2 protein. It affects a nucleotide within the consensus splice site. This variant is not present in population databases (gnomAD no frequency). This variant has not been reported in the literature in individuals affected with SOS2-related conditions. ClinVar contains an entry for this variant (Variation ID: 2146622). Variants that disrupt the consensus splice site are a relatively common cause of aberrant splicing (PMID: 17576681, 9536098). Algorithms developed to predict the effect of sequence changes on RNA splicing suggest that this variant is not likely to affect RNA splicing. In summary, the available evidence is currently insufficient to determine the role of this variant in disease. Therefore, it has been classified as a Variant of Uncertain Significance.

Literature cited by the submitters: PubMed 17576681; PubMed 9536098.

NM_006939.4(SOS2):c.345+5C>T

Gene: SOS2 (SOS Ras/Rho guanine nucleotide exchange factor 2; minus strand). Cytogenetic location: 14q21.3.
Variant type: single nucleotide variant.
Coding change: c.345+5C>T on transcript NM_006939.4 (MANE Select); 5 bases into the intron after coding-DNA position 345, C replaced by T.
Molecular consequence: intron variant.
Genome position (GRCh38, 1-based): chr14:50,200,948, G>A on the plus strand (C>T on the coding strand, the complement: SOS2 is on the minus strand). VCF-style: chr14-50200948-G-A. GRCh37 (hg19) VCF-style: chr14-50667666-G-A.
Identifiers: ClinVar variation 2146622 (VCV002146622.4), dbSNP rs1886467123, ClinGen allele CA963022068.